The following is an entry in ClinVar:

ClinVar aggregate classification (germline): Uncertain significance. Review status: criteria provided, multiple submitters, no conflicts (2 of 4 stars). 4 submissions from 4 submitters: Uncertain significance (3). 1 of the submissions does not count toward it. Last evaluated 2024-09-23.

Conditions:
Multiple acyl-CoA dehydrogenase deficiency (MADD). Also called: Glutaric aciduria, type 2; Glutaric acidemia type II; GA 2; Glutaric Acidemia type 2; ETHYLMALONIC-ADIPICACIDURIA; GA II. Identifiers: Orphanet 26791, MedGen C0268596, MONDO:0009282, OMIM 231680.
Inborn genetic diseases. Identifiers: MedGen C0950123, MeSH D030342.

Allele frequency attached by ClinVar (database versions not stated): gnomAD 0.00005; ExAC 0.00007; TOPMed 0.00007; gnomAD exomes 0.00009 and 0.00010.
gnomAD v4.1: 160 of 1,607,096 alleles (0.01%); highest among the groups gnomAD compares: Middle Eastern, 0.017%; no homozygotes.

Submissions (4):

Blueprint Genetics
Classification: Uncertain significance. Last evaluated: 2024-09-23. Review status: criteria provided, single submitter. Criteria: ACMG Guidelines, 2015. Collection method: clinical testing. Allele origin: germline.

Labcorp Genetics (formerly Invitae), Labcorp
Classification: Uncertain significance for Multiple acyl-CoA dehydrogenase deficiency. Last evaluated: 2022-08-09. Review status: criteria provided, single submitter. Criteria: Invitae Variant Classification Sherloc (09022015). Collection method: clinical testing. Allele origin: germline.
Comment: This sequence change replaces isoleucine, which is neutral and non-polar, with valine, which is neutral and non-polar, at codon 281 of the ETFDH protein (p.Ile281Val). The frequency data for this variant in the population databases is considered unreliable, as metrics indicate poor data quality at this position in the gnomAD database. This variant has not been reported in the literature in individuals affected with ETFDH-related conditions. ClinVar contains an entry for this variant (Variation ID: 529453). Advanced modeling of protein sequence and biophysical properties (such as structural, functional, and spatial information, amino acid conservation, physicochemical variation, residue mobility, and thermodynamic stability) performed at Invitae indicates that this missense variant is not expected to disrupt ETFDH protein function. In summary, the available evidence is currently insufficient to determine the role of this variant in disease. Therefore, it has been classified as a Variant of Uncertain Significance.

Ambry Genetics
Classification: Uncertain significance for Inborn genetic diseases. Last evaluated: 2021-08-30. Review status: criteria provided, single submitter. Criteria: Ambry Variant Classification Scheme 2023. Collection method: clinical testing. Allele origin: germline.

Natera, Inc.
Classification: Uncertain significance for Glutaric aciduria type 2. Last evaluated: 2020-09-16. Review status: no assertion criteria provided. Collection method: clinical testing. Allele origin: germline. Not counted in ClinVar's aggregate classification.

NM_004453.4(ETFDH):c.841A>G (p.Ile281Val)

Gene: ETFDH (electron transfer flavoprotein dehydrogenase; plus strand). Cytogenetic location: 4q32.1.
Variant type: single nucleotide variant.
Coding change: c.841A>G on transcript NM_004453.4 (MANE Select); coding-DNA position 841, A replaced by G.
Protein change: p.Ile281Val; replaces isoleucine 281 with valine.
Molecular consequence: missense variant.
Genome position (GRCh38, 1-based): chr4:158,697,568, A>G. VCF-style: chr4-158697568-A-G. GRCh37 (hg19) VCF-style: chr4-159618720-A-G.
Other names: c.841A>G (NM_004453.2); c.700A>G, p.Ile234Val (NM_001281737.2); c.658A>G, p.Ile220Val (NM_001281738.1); short protein forms I281V, I220V, I234V.
Identifiers: ClinVar variation 529453 (VCV000529453.6), dbSNP rs761854400, ClinGen allele CA3122480.